The following is an entry in ClinVar:

NM_014249.4(NR2E3):c.235C>T (p.Leu79Phe)

Gene: NR2E3 (nuclear receptor subfamily 2 group E member 3; plus strand). Cytogenetic location: 15q23.
Variant type: single nucleotide variant.
Coding change: c.235C>T on transcript NM_014249.4 (MANE Select); coding-DNA position 235, C replaced by T.
Protein change: p.Leu79Phe; replaces leucine 79 with phenylalanine.
Molecular consequence: missense variant.
Genome position (GRCh38, 1-based): chr15:71,811,599, C>T. VCF-style: chr15-71811599-C-T. GRCh37 (hg19) VCF-style: chr15-72103939-C-T.
Other names: c.235C>T, p.Leu79Phe (NM_016346.4); short protein forms L79F.
Identifiers: ClinVar variation 3638454 (VCV003638454.3).

ClinVar aggregate classification (germline): Uncertain significance. Review status: criteria provided, multiple submitters, no conflicts (2 of 4 stars). 2 submissions from 2 submitters: Uncertain significance (2). Last evaluated 2024-03-26.

Submissions (2):

Labcorp Genetics (formerly Invitae), Labcorp
Classification: Uncertain significance. Last evaluated: 2024-03-26. Review status: criteria provided, single submitter. Criteria: Invitae Variant Classification Sherloc (09022015). Collection method: clinical testing. Allele origin: germline.
Comment: This sequence change replaces leucine, which is neutral and non-polar, with phenylalanine, which is neutral and non-polar, at codon 79 of the NR2E3 protein (p.Leu79Phe). This variant is not present in population databases (gnomAD no frequency). This variant has not been reported in the literature in individuals affected with NR2E3-related conditions. Advanced modeling of protein sequence and biophysical properties (such as structural, functional, and spatial information, amino acid conservation, physicochemical variation, residue mobility, and thermodynamic stability) performed at Invitae indicates that this missense variant is expected to disrupt NR2E3 protein function with a positive predictive value of 80%. In summary, the available evidence is currently insufficient to determine the role of this variant in disease. Therefore, it has been classified as a Variant of Uncertain Significance.

Blueprint Genetics
Classification: Uncertain significance. Last evaluated: 2022-06-16. Review status: criteria provided, single submitter. Criteria: ACMG Guidelines, 2015. Collection method: clinical testing. Allele origin: germline.